The following is an entry in ClinVar:

NM_004560.4(ROR2):c.1272G>A (p.Leu424=)

Gene: ROR2 (receptor tyrosine kinase like orphan receptor 2; minus strand). Cytogenetic location: 9q22.31.
Variant type: single nucleotide variant.
Coding change: c.1272G>A on transcript NM_004560.4 (MANE Select); coding-DNA position 1272, G replaced by A.
Protein change: p.Leu424=; no amino-acid change (leucine 424 retained).
Molecular consequence: synonymous variant. On other transcripts: nonsense (1).
Genome position (GRCh38, 1-based): chr9:91,726,655, C>T on the plus strand (G>A on the coding strand, the complement: ROR2 is on the minus strand). VCF-style: chr9-91726655-C-T. GRCh37 (hg19) VCF-style: chr9-94488937-C-T.
Other names: c.1238G>A, p.Trp413Ter (NM_001318204.2); short protein forms W413*.
Identifiers: ClinVar variation 2050440 (VCV002050440.4), dbSNP rs1837048485, ClinGen allele CA465996644.
Genomic context (GRCh38, chr9:91,726,655, plus strand): 5'-CAGCTGTCGCCGCTGCGGTGTGGACGCAGATGCCTTCTGCTTATTCCGGCACATGCAAAC[C>T]AAGAAGAAAAGGCAAGCGATGACCAGTGGAATTGCGATGCTGGGGACCAAGATGTACAGA-3'
Protein context (NP_004551.2, residues 414-434): IPLVIACLFF[Leu424=]VCMCRNKQKA

ClinVar aggregate classification (germline): Uncertain significance (1 of 4 stars; one submission).

Submission:

Labcorp Genetics (formerly Invitae), Labcorp
Classification: Uncertain significance. Last evaluated: 2021-12-20. Review status: criteria provided, single submitter. Criteria: Invitae Variant Classification Sherloc (09022015). Collection method: clinical testing. Allele origin: germline.
Comment: In summary, the available evidence is currently insufficient to determine the role of this variant in disease. Therefore, it has been classified as a Variant of Uncertain Significance. Algorithms developed to predict the effect of sequence changes on RNA splicing suggest that this variant may create or strengthen a splice site. This variant has not been reported in the literature in individuals affected with ROR2-related conditions. This variant is not present in population databases (gnomAD no frequency). This sequence change affects codon 424 of the ROR2 mRNA. It is a 'silent' change, meaning that it does not change the encoded amino acid sequence of the ROR2 protein.